The following is an entry in ClinVar:

ClinVar aggregate classification (germline): Uncertain significance (1 of 4 stars; one submission).

Conditions:
Malignant hyperthermia, susceptibility to, 1 (MHS1). Also called: RYR1-Related Malignant Hyperthermia Susceptibility; Malignant hyperthermia suceptibility 1; Anesthesia related hyperthermia; Malignant hyperpyrexia; Fulminating hyperpyrexia; Pharmacogenic myopathy. Identifiers: Orphanet 423, MedGen C2930980, MONDO:0007783, OMIM 145600.

gnomAD v4.1: 1 of 1,585,860 alleles (0.000063%); highest among the groups gnomAD compares: Non-Finnish European, 0.000086%; no homozygotes.

Submission:

Color Diagnostics, LLC DBA Color Health
Classification: Uncertain significance for Malignant hyperthermia, susceptibility to, 1. Last evaluated: 2025-05-13. Review status: criteria provided, single submitter. Criteria: ACMG Guidelines, 2015. Collection method: clinical testing. Allele origin: germline.
Comment: This variant causes a A>G nucleotide substitution at the -2 position of intron 85 of the RYR1 gene. Splice site prediction tools suggest that this variant may have a significant impact on RNA splicing. This variant has not been reported in individuals affected with RYR1-related disorders in the literature. This variant has not been identified in the general population by the Genome Aggregation Database (gnomAD). The available evidence is insufficient to determine the role of this variant in disease conclusively. Therefore, this variant is classified as a Variant of Uncertain Significance for autosomal dominant malignant hyperthermia.

NM_000540.3(RYR1):c.11779-2A>G

Gene: RYR1 (ryanodine receptor 1; plus strand). Cytogenetic location: 19q13.2.
Variant type: single nucleotide variant.
Coding change: c.11779-2A>G on transcript NM_000540.3 (MANE Select); the canonical splice acceptor site of the intron before coding-DNA position 11779, A replaced by G.
Molecular consequence: splice acceptor variant.
Genome position (GRCh38, 1-based): chr19:38,543,530, A>G. VCF-style: chr19-38543530-A-G. GRCh37 (hg19) VCF-style: chr19-39034170-A-G.
Other names: c.11764-2A>G (NM_001042723.2).
Identifiers: ClinVar variation 4758652 (VCV004758652.1).